The following is an entry in ClinVar:

NM_206933.4(USH2A):c.5933C>A (p.Pro1978His)

Gene: USH2A (usherin; minus strand). Cytogenetic location: 1q41.
Variant type: single nucleotide variant.
Coding change: c.5933C>A on transcript NM_206933.4 (MANE Select); coding-DNA position 5933, C replaced by A.
Protein change: p.Pro1978His; replaces proline 1978 with histidine.
Molecular consequence: missense variant.
Genome position (GRCh38, 1-based): chr1:216,070,217, G>T on the plus strand (C>A on the coding strand, the complement: USH2A is on the minus strand). VCF-style: chr1-216070217-G-T. GRCh37 (hg19) VCF-style: chr1-216243559-G-T.
Other names: c.5933C>A (NM_206933.2); short protein forms P1978H.
Identifiers: ClinVar variation 1392292 (VCV001392292.7), dbSNP rs2031513346, ClinGen allele CA344862136.

ClinVar aggregate classification (germline): Uncertain significance. Review status: criteria provided, multiple submitters, no conflicts (2 of 4 stars). 2 submissions from 2 submitters: Uncertain significance (2). Last evaluated 2025-08-31.

Conditions:
Inborn genetic diseases. Identifiers: MedGen C0950123, MeSH D030342.

gnomAD v4.1: 4 of 1,613,948 alleles (0.00025%); highest among the groups gnomAD compares: Non-Finnish European, 0.00034%; no homozygotes.

Submissions (2):

Ambry Genetics
Classification: Uncertain significance for Inborn genetic diseases. Last evaluated: 2025-08-31. Review status: criteria provided, single submitter. Criteria: Ambry Variant Classification Scheme 2023. Collection method: clinical testing. Allele origin: germline.

Labcorp Genetics (formerly Invitae), Labcorp
Classification: Uncertain significance. Last evaluated: 2025-03-17. Review status: criteria provided, single submitter. Criteria: Invitae Variant Classification Sherloc (09022015). Collection method: clinical testing. Allele origin: germline.
Comment: This sequence change replaces proline, which is neutral and non-polar, with histidine, which is basic and polar, at codon 1978 of the USH2A protein (p.Pro1978His). This variant is not present in population databases (gnomAD no frequency). This variant has not been reported in the literature in individuals affected with USH2A-related conditions. ClinVar contains an entry for this variant (Variation ID: 1392292). Invitae Evidence Modeling of protein sequence and biophysical properties (such as structural, functional, and spatial information, amino acid conservation, physicochemical variation, residue mobility, and thermodynamic stability) indicates that this missense variant is expected to disrupt USH2A protein function with a positive predictive value of 95%. In summary, the available evidence is currently insufficient to determine the role of this variant in disease. Therefore, it has been classified as a Variant of Uncertain Significance.